The following is an entry in ClinVar:

NM_000051.4(ATM):c.8477del (p.Asn2826fs)

Genes: ATM (ATM serine/threonine kinase; plus strand), C11orf65 (chromosome 11 open reading frame 65; minus strand). Cytogenetic location: 11q22.3.
Variant type: Deletion.
Coding change: c.8477del on transcript NM_000051.4 (MANE Select); coding-DNA position 8477, one base deleted (A; older notation c.8477delA).
Protein change: p.Asn2826fs; shifts the reading frame from asparagine 2826.
Molecular consequence: frameshift variant. On other transcripts: intron variant (2).
Genome position (GRCh38, 1-based): chr11:108,345,801, A deleted; the last of 4 consecutive A bases (chr11:108,345,798-108,345,801); deleting any one gives the same sequence. VCF-style (leftmost placement, unchanged base first): chr11-108345797-CA-C. GRCh37 (hg19) VCF-style: chr11-108216524-CA-C.
Other names: c.8477del, p.Asn2826fs (NM_001351834.2); c.641-36727del (NM_001330368.2); c.695-10506del (NM_001351110.2); short protein forms N2826fs.
Identifiers: ClinVar variation 3801186 (VCV003801186.1).

ClinVar aggregate classification (germline): Pathogenic (1 of 4 stars; one submission).

Conditions:
Hereditary cancer-predisposing syndrome. Also called: Neoplastic Syndromes, Hereditary; Tumor predisposition; Hereditary Cancer Syndrome; Hereditary neoplastic syndrome. Identifiers: Orphanet 140162, MedGen C0027672, MeSH D009386, MONDO:0015356.

Submission:

Ambry Genetics
Classification: Pathogenic for Hereditary cancer-predisposing syndrome. Last evaluated: 2025-01-03. Review status: criteria provided, single submitter. Criteria: Ambry Variant Classification Scheme 2023. Collection method: clinical testing. Allele origin: germline.
Comment: The c.8477delA pathogenic mutation, located in coding exon 57 of the ATM gene, results from a deletion of one nucleotide at nucleotide position 8477, causing a translational frameshift with a predicted alternate stop codon (p.N2826Ifs*31). This variant is considered to be rare based on population cohorts in the Genome Aggregation Database (gnomAD). This alteration is expected to result in loss of function by premature protein truncation or nonsense-mediated mRNA decay. As such, this alteration is interpreted as a disease-causing mutation.